The following is an entry in ClinVar:

NM_000071.3(CBS):c.124_125del (p.Leu42fs)

Gene: CBS (cystathionine beta-synthase; minus strand). Cytogenetic location: 21q22.3.
Variant type: Deletion.
Coding change: c.124_125del on transcript NM_000071.3 (MANE Select); coding-DNA positions 124 to 125, 2 bases deleted (CT; older notation c.124_125delCT).
Protein change: p.Leu42fs; shifts the reading frame from leucine 42.
Molecular consequence: frameshift variant.
Genome position (GRCh38, 1-based): chr21:43,072,069-43,072,070, AG deleted on the plus strand (CT on the coding strand, the reverse complement: CBS is on the minus strand). VCF-style (leftmost placement, unchanged base first): chr21-43072068-CAG-C. GRCh37 (hg19) VCF-style: chr21-44492178-CAG-C.
Other names: c.124_125del, p.Leu42fs (NM_001178008.3, NM_001178009.3, NM_001320298.2); short protein forms L42fs.
Identifiers: ClinVar variation 5016213 (VCV005016213.1).

ClinVar aggregate classification (germline): Pathogenic (1 of 4 stars; one submission).

Conditions:
Classic homocystinuria. Also called: HOMOCYSTINURIA WITH OR WITHOUT RESPONSE TO PYRIDOXINE; Homocystinuria due to CBS deficiency; Cystathionine beta-synthase deficiency; CBS deficiency; Homocystinuria due to Cystathionine Beta-Synthase Deficiency. Identifiers: Orphanet 394, MedGen C0751202, MONDO:0009352, OMIM 236200.

Submission:

Myriad Genetics, Inc.
Classification: Pathogenic for Classic homocystinuria. Last evaluated: 2026-08-07. Review status: criteria provided, single submitter. Criteria: Myriad Autosomal Dominant, Autosomal Recessive and X-Linked Classification Criteria (2023). Collection method: clinical testing. Allele origin: unknown.
Comment: NM_000071.2(CBS):c.124_125delCT(L42Vfs*62) is expected to be pathogenic in the context of homocystinuria, CBS-related. This variant is predicted to lead to an abnormal or absent protein product due to the creation of a premature termination codon in CBS, a gene where loss-of-function variants are known to be pathogenic. Please note: this variant was assessed in the context of healthy population screening.